The following is an entry in ClinVar:

ClinVar aggregate classification (germline): Uncertain significance (1 of 4 stars; one submission).

Conditions:
Lymphoproliferative syndrome 1 (LPFS1). Identifiers: Orphanet 238505, Orphanet 538963, MedGen C3552634, MONDO:0013081, OMIM 613011.

Allele frequency attached by ClinVar (database versions not stated): gnomAD exomes below 0.00001.
gnomAD v4.1: 1 of 1,614,174 alleles (0.000062%); highest among the groups gnomAD compares: Non-Finnish European, 0.000085%; no homozygotes.

Submission:

Labcorp Genetics (formerly Invitae), Labcorp
Classification: Uncertain significance for Lymphoproliferative syndrome 1. Last evaluated: 2022-07-13. Review status: criteria provided, single submitter. Criteria: Invitae Variant Classification Sherloc (09022015). Collection method: clinical testing. Allele origin: germline.
Comment: This sequence change replaces serine, which is neutral and polar, with proline, which is neutral and non-polar, at codon 526 of the ITK protein (p.Ser526Pro). This variant is not present in population databases (gnomAD no frequency). This variant has not been reported in the literature in individuals affected with ITK-related conditions. Advanced modeling of protein sequence and biophysical properties (such as structural, functional, and spatial information, amino acid conservation, physicochemical variation, residue mobility, and thermodynamic stability) performed at Invitae indicates that this missense variant is not expected to disrupt ITK protein function. In summary, the available evidence is currently insufficient to determine the role of this variant in disease. Therefore, it has been classified as a Variant of Uncertain Significance.

NM_005546.4(ITK):c.1576T>C (p.Ser526Pro)

Gene: ITK (IL2 inducible T cell kinase; plus strand). Cytogenetic location: 5q33.3.
Variant type: single nucleotide variant.
Coding change: c.1576T>C on transcript NM_005546.4 (MANE Select); coding-DNA position 1576, T replaced by C.
Protein change: p.Ser526Pro; replaces serine 526 with proline.
Molecular consequence: missense variant.
Genome position (GRCh38, 1-based): chr5:157,245,942, T>C. VCF-style: chr5-157245942-T-C. GRCh37 (hg19) VCF-style: chr5-156672952-T-C.
Other names: short protein forms S526P.
Identifiers: ClinVar variation 1900833 (VCV001900833.5), dbSNP rs2532158641, ClinGen allele CA361962495.